The following is an entry in ClinVar:

ClinVar aggregate classification (germline): Likely benign. Review status: criteria provided, multiple submitters, no conflicts (2 of 4 stars). 2 submissions from 2 submitters: Likely benign (2). Last evaluated 2026-01-11.

Conditions:
Early-infantile DEE. Also called: Early infantile epileptic encephalopathy with suppression bursts; Early infantile epileptic encephalopathy; Ohtahara syndrome. Identifiers: Orphanet 1934, MedGen C0393706, MONDO:0800491.

Allele frequency attached by ClinVar (database versions not stated): gnomAD exomes below 0.00001; TOPMed below 0.00001.
gnomAD v4.1: 3 of 1,613,634 alleles (0.00019%); highest among the groups gnomAD compares: Non-Finnish European, 0.00025%; no homozygotes.

Submissions (2):

Labcorp Genetics (formerly Invitae), Labcorp
Classification: Likely benign for Early-infantile DEE. Last evaluated: 2026-01-11. Review status: criteria provided, single submitter. Criteria: Invitae Variant Classification Sherloc (09022015). Collection method: clinical testing. Allele origin: germline.

GeneDx
Classification: Likely benign. Last evaluated: 2018-04-20. Review status: criteria provided, single submitter. Criteria: GeneDx Variant Classification (06012015). Collection method: clinical testing. Allele origin: germline. Affected: yes.
Comment: This variant is considered likely benign or benign based on one or more of the following criteria: it is a conservative change, it occurs at a poorly conserved position in the protein, it is predicted to be benign by multiple in silico algorithms, and/or has population frequency not consistent with disease.

NM_001130438.3(SPTAN1):c.3834C>T (p.Phe1278=)

Gene: SPTAN1 (spectrin alpha, non-erythrocytic 1; plus strand). Cytogenetic location: 9q34.11.
Variant type: single nucleotide variant.
Coding change: c.3834C>T on transcript NM_001130438.3 (MANE Select); coding-DNA position 3834, C replaced by T.
Protein change: p.Phe1278=; no amino-acid change (phenylalanine 1278 retained).
Molecular consequence: synonymous variant.
Genome position (GRCh38, 1-based): chr9:128,605,148, C>T. VCF-style: chr9-128605148-C-T. GRCh37 (hg19) VCF-style: chr9-131367427-C-T.
Other names: c.3774C>T, p.Phe1258= (NM_001195532.2, NM_001363765.2); c.3834C>T, p.Phe1278= (NM_001363759.2, NM_003127.4).
Identifiers: ClinVar variation 682245 (VCV000682245.9), dbSNP rs1589296272, ClinGen allele CA467302669.